The following is an entry in ClinVar:

NM_005458.8(GABBR2):c.34C>A (p.Pro12Thr)

Gene: GABBR2 (gamma-aminobutyric acid type B receptor subunit 2; minus strand). Cytogenetic location: 9q22.33.
Variant type: single nucleotide variant.
Coding change: c.34C>A on transcript NM_005458.8 (MANE Select); coding-DNA position 34, C replaced by A.
Protein change: p.Pro12Thr; replaces proline 12 with threonine.
Molecular consequence: missense variant.
Genome position (GRCh38, 1-based): chr9:98,708,704, G>T on the plus strand (C>A on the coding strand, the complement: GABBR2 is on the minus strand). VCF-style: chr9-98708704-G-T. GRCh37 (hg19) VCF-style: chr9-101470986-G-T.
Other names: short protein forms P12T.
Identifiers: ClinVar variation 1005687 (VCV001005687.9), dbSNP rs1229507395, ClinGen allele CA374212966.
Genomic context (GRCh38, chr9:98,708,704, plus strand): 5'-GCAGCGGCAGCAGCAGTAGCAGTAGCAGGCGCGCGGGCGGCGGTGGCGGCGGCGGCGGCG[G>T]CCCGGGCTGCCCGGAGCTCCGCGGGGAAGCCATGCCGCGCCGCGGGCTGCGGGCGCCGGC-3'
Protein context (NP_005449.5, residues 2-22): ASPRSSGQPG[Pro12Thr]PPPPPPPPAR

ClinVar aggregate classification (germline): Uncertain significance (1 of 4 stars; one submission).

Conditions:
Epileptic encephalopathy. Identifiers: MedGen C0543888, HP:0200134.

Submission:

Labcorp Genetics (formerly Invitae), Labcorp
Classification: Uncertain significance for Epileptic encephalopathy. Last evaluated: 2020-02-05. Review status: criteria provided, single submitter. Criteria: Invitae Variant Classification Sherloc (09022015). Collection method: clinical testing. Allele origin: germline.
Comment: In summary, the available evidence is currently insufficient to determine the role of this variant in disease. Therefore, it has been classified as a Variant of Uncertain Significance. This variant has not been reported in the literature in individuals with GABBR2-related conditions. The frequency data for this variant in the population databases is considered unreliable, as metrics indicate insufficient coverage at this position in the ExAC database. This sequence change replaces proline with threonine at codon 12 of the GABBR2 protein (p.Pro12Thr). The proline residue is weakly conserved and there is a small physicochemical difference between proline and threonine.